The following is an entry in ClinVar:

ClinVar aggregate classification (germline): Uncertain significance (1 of 4 stars; one submission).

Conditions:
Marfan syndrome (MFS). Also called: MARFAN SYNDROME, TYPE I; Marfan syndrome type 1; Marfan's syndrome; Marfan syndrome, classic; FBN1-Related Marfan Syndrome. Identifiers: Orphanet 284963, Orphanet 558, MedGen C0024796, MONDO:0007947, OMIM 154700.
Familial thoracic aortic aneurysm and aortic dissection (TAAD). Also called: Thoracic aortic aneurysms and dissections. Identifiers: Orphanet 91387, MedGen C4707243, MONDO:0019625.

Allele frequency attached by ClinVar (database versions not stated): gnomAD exomes 0.00001; TOPMed below 0.00001.
gnomAD v4.1: 12 of 1,613,724 alleles (0.00074%); highest among the groups gnomAD compares: African/African-American, 0.0013%; no homozygotes.

Submission:

Labcorp Genetics (formerly Invitae), Labcorp
Classification: Uncertain significance for Marfan syndrome; Familial thoracic aortic aneurysm and aortic dissection. Last evaluated: 2023-09-22. Review status: criteria provided, single submitter. Criteria: Invitae Variant Classification Sherloc (09022015). Collection method: clinical testing. Allele origin: germline.
Comment: This sequence change replaces isoleucine, which is neutral and non-polar, with valine, which is neutral and non-polar, at codon 766 of the FBN1 protein (p.Ile766Val). This variant is not present in population databases (gnomAD no frequency). This variant has not been reported in the literature in individuals affected with FBN1-related conditions. An algorithm developed to predict the effect of missense changes on protein structure and function (PolyPhen-2) suggests that this variant is likely to be disruptive. In summary, the available evidence is currently insufficient to determine the role of this variant in disease. Therefore, it has been classified as a Variant of Uncertain Significance.

NM_000138.5(FBN1):c.2296A>G (p.Ile766Val)

Gene: FBN1 (fibrillin 1; minus strand). Cytogenetic location: 15q21.1.
Variant type: single nucleotide variant.
Coding change: c.2296A>G on transcript NM_000138.5 (MANE Select); coding-DNA position 2296, A replaced by G.
Protein change: p.Ile766Val; replaces isoleucine 766 with valine.
Molecular consequence: missense variant.
Genome position (GRCh38, 1-based): chr15:48,496,223, T>C on the plus strand (A>G on the coding strand, the complement: FBN1 is on the minus strand). VCF-style: chr15-48496223-T-C. GRCh37 (hg19) VCF-style: chr15-48788420-T-C.
Other names: c.2296A>G, p.Ile766Val (NM_001406716.1); short protein forms I766V.
Identifiers: ClinVar variation 2929795 (VCV002929795.1), dbSNP rs2043607629, ClinGen allele CA392335558.
Genomic context (GRCh38, chr15:48,496,223, plus strand): 5'-CAGGAGTATTTCTACATTGTCCATTGTCACAAAGGAGACTGTTCAGTACACATTCATTAA[T>C]ATCTGCAAAGTCAATGAAAATAAACACTTAAAAAGGGCCCAAACTTTGCCTGTATCTACT-3'
Protein context (NP_000129.3, residues 756-776): VDSTGKNCVD[Ile766Val]NECVLNSLLC